The following is an entry in ClinVar:

ClinVar aggregate classification (germline): Uncertain significance (1 of 4 stars; one submission).

Submission:

Women's Health and Genetics/Laboratory Corporation of America, LabCorp
Classification: Uncertain significance. Last evaluated: 2023-04-21. Review status: criteria provided, single submitter. Criteria: LabCorp Variant Classification Summary - May 2015. Collection method: clinical testing. Allele origin: germline.
Comment: Variant summary: FRMD5 c.178A>G (p.Ile60Val) results in a conservative amino acid change located in the FERM domain (IPR000299) of the encoded protein sequence. Four of five in-silico tools predict a benign effect of the variant on protein function. The variant was absent in 251372 control chromosomes (gnomAD). The available data on variant occurrences in the general population are insufficient to allow any conclusion about variant significance. To our knowledge, no occurrence of c.178A>G in individuals affected with Neurodevelopmental Disorder With Eye Movement Abnormalities And Ataxia and no experimental evidence demonstrating its impact on protein function have been reported. No clinical diagnostic laboratories have submitted clinical-significance assessments for this variant to ClinVar after 2014. Based on the evidence outlined above, the variant was classified as uncertain significance.

NM_032892.5(FRMD5):c.178A>G (p.Ile60Val)

Gene: FRMD5 (FERM domain containing 5; minus strand). Cytogenetic location: 15q15.3.
Variant type: single nucleotide variant.
Coding change: c.178A>G on transcript NM_032892.5 (MANE Select); coding-DNA position 178, A replaced by G.
Protein change: p.Ile60Val; replaces isoleucine 60 with valine.
Molecular consequence: missense variant. On other transcripts: 5 prime UTR variant (2), non-coding transcript variant (1), intron variant (1).
Genome position (GRCh38, 1-based): chr15:43,924,234, T>C on the plus strand (A>G on the coding strand, the complement: FRMD5 is on the minus strand). VCF-style: chr15-43924234-T-C. GRCh37 (hg19) VCF-style: chr15-44216432-T-C.
Other names: c.178A>G, p.Ile60Val (NM_001031729.1, NM_001322949.2, NM_001322950.2 and 1 more transcripts); c.-90A>G (NM_001286490.2); c.-844A>G (NM_001286491.2); c.103-4425A>G (NM_001322951.2); c.178A>G (NM_032892.4); short protein forms I60V.
Identifiers: ClinVar variation 2503839 (VCV002503839.1), dbSNP rs2508656532, ClinGen allele CA392201308.